The following is an entry in ClinVar:

NM_001282531.3(ADNP):c.14C>T (p.Pro5Leu)

Gene: ADNP (activity dependent neuroprotector homeobox; minus strand). Cytogenetic location: 20q13.13.
Variant type: single nucleotide variant.
Coding change: c.14C>T on transcript NM_001282531.3 (MANE Select); coding-DNA position 14, C replaced by T.
Protein change: p.Pro5Leu; replaces proline 5 with leucine.
Molecular consequence: missense variant.
Genome position (GRCh38, 1-based): chr20:50,903,983, G>A on the plus strand (C>T on the coding strand, the complement: ADNP is on the minus strand). VCF-style: chr20-50903983-G-A. GRCh37 (hg19) VCF-style: chr20-49520520-G-A.
Other names: c.14C>T, p.Pro5Leu (NM_001282532.2, NM_001347511.2, NM_015339.5 and 1 more transcripts); short protein forms P5L.
Identifiers: ClinVar variation 3363302 (VCV003363302.1).

ClinVar aggregate classification (germline): Uncertain significance (1 of 4 stars; one submission).

Submission:

GeneDx
Classification: Uncertain significance. Last evaluated: 2023-10-19. Review status: criteria provided, single submitter. Criteria: GeneDx Variant Classification Process June 2021. Collection method: clinical testing. Allele origin: germline. Affected: yes.
Comment: Not observed at significant frequency in large population cohorts (gnomAD); In silico analysis supports that this missense variant has a deleterious effect on protein structure/function; Has not been previously published as pathogenic or benign to our knowledge